The following is an entry in ClinVar:

ClinVar aggregate classification (germline): Conflicting classifications of pathogenicity. Review status: criteria provided, conflicting classifications (1 of 4 stars). 3 submissions from 3 submitters: Uncertain significance (2); Likely benign (1). Last evaluated 2025-05-20.

Conditions:
Hereditary cancer-predisposing syndrome. Also called: Hereditary neoplastic syndrome; Neoplastic Syndromes, Hereditary; Tumor predisposition; Hereditary Cancer Syndrome. Identifiers: Orphanet 140162, MedGen C0027672, MeSH D009386, MONDO:0015356.
Ataxia-telangiectasia syndrome (AT). Also called: Ataxia telangiectasia (A-T); LOUIS-BAR SYNDROME; Cerebello-oculocutaneous telangiectasia; Immunodeficiency with ataxia telangiectasia; Ataxia-telangiectasia, complementation group D; AT, COMPLEMENTATION GROUP C. Identifiers: Orphanet 100, MedGen C0004135, MONDO:0008840, OMIM 208900.

Submissions (3):

Ambry Genetics
Classification: Likely benign for Hereditary cancer-predisposing syndrome. Last evaluated: 2025-05-20. Review status: criteria provided, single submitter. Criteria: Ambry Variant Classification Scheme 2023. Collection method: clinical testing. Allele origin: germline.

Labcorp Genetics (formerly Invitae), Labcorp
Classification: Uncertain significance for Ataxia-telangiectasia syndrome. Last evaluated: 2024-11-11. Review status: criteria provided, single submitter. Criteria: Invitae Variant Classification Sherloc (09022015). Collection method: clinical testing. Allele origin: germline.
Comment: This sequence change replaces serine, which is neutral and polar, with threonine, which is neutral and polar, at codon 933 of the ATM protein (p.Ser933Thr). This variant is not present in population databases (gnomAD no frequency). This variant has not been reported in the literature in individuals affected with ATM-related conditions. ClinVar contains an entry for this variant (Variation ID: 407714). Invitae Evidence Modeling of protein sequence and biophysical properties (such as structural, functional, and spatial information, amino acid conservation, physicochemical variation, residue mobility, and thermodynamic stability) indicates that this missense variant is not expected to disrupt ATM protein function with a negative predictive value of 95%. In summary, the available evidence is currently insufficient to determine the role of this variant in disease. Therefore, it has been classified as a Variant of Uncertain Significance.

GeneDx
Classification: Uncertain significance. Last evaluated: 2015-03-31. Review status: criteria provided, single submitter. Criteria: GeneDx Variant Classification (06012015). Collection method: clinical testing. Allele origin: germline. Affected: yes.
Comment: This variant is denoted ATM c.2797T>A at the cDNA level, p.Ser933Thr (S933T) at the protein level, and results in the change of a Serine to a Threonine (TCT>ACT). According to a meta-analysis by Tavtigian et al. (2009), another variant, 2798C>G, which leads to the same amino acid change observed in this case, Ser933Thr, was absent in 4,112 breast cancer cases and observed in 1/2,399 controls. ATM Ser933Thr was not observed in approximately 6,500 individuals of European and African American ancestry in the NHLBI Exome Sequencing Project, indicating it is not a common benign variant in these populations. Since Serine and Threonine share similar properties, this is considered a conservative amino acid substitution. ATM Ser933Thr occurs at a position that is not conserved across species, with Threonine being the naturally occurring amino acid at this position in two species, and is not located in a known functional domain (Tavtigian 2009). In silico analyses predict that this variant is unlikely to alter protein structure or function. Based on currently available information, it is unclear whether ATM Ser933Thr is pathogenic or benign. We consider it to be a variant of uncertain significance.

NM_000051.4(ATM):c.2797T>A (p.Ser933Thr)

Gene: ATM (ATM serine/threonine kinase; plus strand). Cytogenetic location: 11q22.3.
Variant type: single nucleotide variant.
Coding change: c.2797T>A on transcript NM_000051.4 (MANE Select); coding-DNA position 2797, T replaced by A.
Protein change: p.Ser933Thr; replaces serine 933 with threonine.
Molecular consequence: missense variant.
Genome position (GRCh38, 1-based): chr11:108,268,568, T>A. VCF-style: chr11-108268568-T-A. GRCh37 (hg19) VCF-style: chr11-108139295-T-A.
Other names: c.2797T>A, p.Ser933Thr (NM_001351834.2); short protein forms S933T.
Identifiers: ClinVar variation 407714 (VCV000407714.13), dbSNP rs1060501698, ClinGen allele CA16613375.
Genomic context (GRCh38, chr11:108,268,568, plus strand): 5'-ACCAATACTGTGTCCTTTAGGGCAGCTGATATTCGGAGGAAATTGTTAATGTTAATTGAT[T>A]CTAGCACGCTAGAACCTACCAAATCCCTCCACCTGCATATGGTGAGTTACGTTAAATGAA-3'
Protein context (NP_000042.3, residues 923-943): IRRKLLMLID[Ser933Thr]STLEPTKSLH